The following is an entry in ClinVar:

NM_020431.4(TMEM63C):c.1278G>A (p.Thr426=)

Gene: TMEM63C (transmembrane protein 63C; plus strand). Cytogenetic location: 14q24.3.
Variant type: single nucleotide variant.
Coding change: c.1278G>A on transcript NM_020431.4 (MANE Select); coding-DNA position 1278, G replaced by A.
Protein change: p.Thr426=; no amino-acid change (threonine 426 retained).
Molecular consequence: synonymous variant.
Genome position (GRCh38, 1-based): chr14:77,242,993, G>A. VCF-style: chr14-77242993-G-A. GRCh37 (hg19) VCF-style: chr14-77709336-G-A.
Identifiers: ClinVar variation 4873546 (VCV004873546.2).

ClinVar aggregate classification (germline): Likely benign (1 of 4 stars; one submission).

gnomAD v4.1: 62 of 1,613,826 alleles (0.0038%); highest among the groups gnomAD compares: Non-Finnish European, 0.0052%; no homozygotes.

Submission:

CeGaT Center for Human Genetics Tuebingen
Classification: Likely benign. Last evaluated: 2026-05-01. Review status: criteria provided, single submitter. Criteria: CeGaT Center For Human Genetics Tuebingen Variant Classification Criteria Version 2. Collection method: clinical testing. Allele origin: germline. Affected: yes. Observed: 1 variant allele.
Comment: TMEM63C: BP4, BP7